The following is an entry in ClinVar:

NC_000006.11:g.(?_110081434)_(110085144_?)del

Gene: FIG4 (FIG4 phosphoinositide 5-phosphatase; plus strand). Cytogenetic location: 6q21.
Variant type: Deletion.
Identifiers: ClinVar variation 3246050 (VCV003246050.1).

ClinVar aggregate classification (germline): Likely pathogenic (1 of 4 stars; one submission).

Conditions:
Charcot-Marie-Tooth disease type 4. Also called: Charcot-Marie-Tooth disease, type IV; Charcot-Marie-Tooth, Type 4. Identifiers: Orphanet 64749, MedGen C4082197, MONDO:0018995.

Submission:

Labcorp Genetics (formerly Invitae), Labcorp
Classification: Likely pathogenic for Charcot-Marie-Tooth disease type 4. Last evaluated: 2023-10-08. Review status: criteria provided, single submitter. Criteria: Invitae Variant Classification Sherloc (09022015). Collection method: clinical testing. Allele origin: unknown.
Comment: This variant results in the deletion of exons 11-12 and part of exon 13 (c.1138-19_1393del) in combination with an uncertain insertion in the FIG4 gene. It is expected to disrupt RNA splicing. Variants that disrupt the donor or acceptor splice site typically lead to a loss of protein function (PMID: 16199547), and loss-of-function variants in FIG4 are known to be pathogenic (PMID: 23623387, 30740813). This variant has not been reported in the literature in individuals affected with FIG4-related conditions. This variant disrupts a region of the FIG4 protein in which other variant(s) (p.Val395del) have been observed in individuals with FIG4-related conditions (PMID: 29518270). This suggests that this is a clinically significant region of the protein, and that variants that disrupt it are likely to be disease-causing. In summary, the currently available evidence indicates that the variant is pathogenic, but additional data are needed to prove that conclusively. Therefore, this variant has been classified as Likely Pathogenic.

Literature cited by the submitters: PubMed 16199547; PubMed 23623387; PubMed 30740813; PubMed 29518270.